The following is an entry in ClinVar:

NM_006648.4(WNK2):c.131G>A (p.Arg44His)

Gene: WNK2 (WNK lysine deficient protein kinase 2; plus strand). Cytogenetic location: 9q22.31.
Variant type: single nucleotide variant.
Coding change: c.131G>A on transcript NM_006648.4 (MANE Select); coding-DNA position 131, G replaced by A.
Protein change: p.Arg44His; replaces arginine 44 with histidine.
Molecular consequence: missense variant.
Genome position (GRCh38, 1-based): chr9:93,185,060, G>A. VCF-style: chr9-93185060-G-A. GRCh37 (hg19) VCF-style: chr9-95947342-G-A.
Other names: c.131G>A, p.Arg44His (NM_001282394.3); short protein forms R44H.
Identifiers: ClinVar variation 4866698 (VCV004866698.1).

ClinVar aggregate classification (germline): Uncertain significance (1 of 4 stars; one submission).

gnomAD v4.1: 1 of 1,304,868 alleles (0.000077%); highest among the groups gnomAD compares: South Asian, 0.0021%; no homozygotes.

Submission:

Ambry Genetics
Classification: Uncertain significance. Last evaluated: 2026-05-23. Review status: criteria provided, single submitter. Criteria: Ambry Variant Classification Scheme 2023. Collection method: clinical testing. Allele origin: germline.
Comment: The p.R44H variant (also known as c.131G>A), located in coding exon 1 of the WNK2 gene, results from a G to A substitution at nucleotide position 131. The arginine at codon 44 is replaced by histidine, an amino acid with highly similar properties. This amino acid position is conserved. In addition, this alteration is predicted to be tolerated by in silico analysis. Based on the available evidence, the clinical significance of this variant remains unclear.